The following is an entry in ClinVar:

ClinVar aggregate classification (germline): Pathogenic (1 of 4 stars; one submission).

Conditions:
Hereditary breast ovarian cancer syndrome. Also called: Hereditary breast and/or ovarian cancer syndrome; Hereditary breast and ovarian cancer syndrome; Hereditary breast and ovarian cancer; Hereditary breast and ovarian cancer syndrome (HBOC); Breast and ovarian cancer; BRCA1- and BRCA2-Associated Hereditary Breast and Ovarian Cancer. Identifiers: Orphanet 145, MedGen C0677776, MeSH D061325, MONDO:0003582. Disease mechanism: loss of function.

Submission:

Labcorp Genetics (formerly Invitae), Labcorp
Classification: Pathogenic for Hereditary breast ovarian cancer syndrome. Last evaluated: 2022-02-07. Review status: criteria provided, single submitter. Criteria: Invitae Variant Classification Sherloc (09022015). Collection method: clinical testing. Allele origin: germline.
Comment: For these reasons, this variant has been classified as Pathogenic. This variant has not been reported in the literature in individuals affected with BRCA2-related conditions. This variant is not present in population databases (gnomAD no frequency). This sequence change creates a premature translational stop signal (p.Ile2209*) in the BRCA2 gene. It is expected to result in an absent or disrupted protein product. Loss-of-function variants in BRCA2 are known to be pathogenic (PMID: 20104584).

Literature cited by the submitters: PubMed 20104584.

NM_000059.4(BRCA2):c.6625del (p.Asn2208_Ile2209insTer)

Gene: BRCA2 (BRCA2 DNA repair associated; plus strand). Cytogenetic location: 13q13.1.
Variant type: Deletion.
Coding change: c.6625del on transcript NM_000059.4 (MANE Select); coding-DNA position 6625, one base deleted (A; older notation c.6625delA).
Protein change: p.Asn2208_Ile2209insTer.
Molecular consequence: nonsense. On other transcripts: frameshift variant (2).
Genome position (GRCh38, 1-based): chr13:32,340,980, A deleted. VCF-style (leftmost placement, unchanged base first): chr13-32340979-TA-T. GRCh37 (hg19) VCF-style: chr13-32915116-TA-T.
Other names: c.6625delA, p.Ile2209Terfs (NM_001406719.1, NM_001406720.1).
Identifiers: ClinVar variation 2094387 (VCV002094387.4), dbSNP rs2548533741, ClinGen allele CA2580088040.
Genomic context (GRCh38, chr13:32,340,979, plus strand): 5'-AAACGTAAAAATGGAAATTGGTAAAACTGAAACTTTTTCTGATGTTCCTGTGAAAACAAA[TA>T]TAGAAGTTTGTTCTACTTACTCCAAAGATTCAGAAAACTACTTTGAAACAGAAGCAGTAG-3'